The following is an entry in ClinVar:

NM_006648.4(WNK2):c.2678G>C (p.Gly893Ala)

Gene: WNK2 (WNK lysine deficient protein kinase 2; plus strand). Cytogenetic location: 9q22.31.
Variant type: single nucleotide variant.
Coding change: c.2678G>C on transcript NM_006648.4 (MANE Select); coding-DNA position 2678, G replaced by C.
Protein change: p.Gly893Ala; replaces glycine 893 with alanine.
Molecular consequence: missense variant.
Genome position (GRCh38, 1-based): chr9:93,259,226, G>C. VCF-style: chr9-93259226-G-C. GRCh37 (hg19) VCF-style: chr9-96021508-G-C.
Other names: c.2678G>C, p.Gly893Ala (NM_001282394.3); short protein forms G893A.
Identifiers: ClinVar variation 4866553 (VCV004866553.1).

ClinVar aggregate classification (germline): Uncertain significance (1 of 4 stars; one submission).

gnomAD v4.1: 1 of 1,613,270 alleles (0.000062%); no homozygotes.

Submission:

Ambry Genetics
Classification: Uncertain significance. Last evaluated: 2026-03-31. Review status: criteria provided, single submitter. Criteria: Ambry Variant Classification Scheme 2023. Collection method: clinical testing. Allele origin: germline.
Comment: The p.G893A variant (also known as c.2678G>C), located in coding exon 11 of the WNK2 gene, results from a G to C substitution at nucleotide position 2678. The glycine at codon 893 is replaced by alanine, an amino acid with similar properties. This amino acid position is conserved. In addition, this alteration is predicted to be tolerated by in silico analysis. Based on the available evidence, the clinical significance of this variant remains unclear.